The following is an entry in ClinVar:

ClinVar aggregate classification (germline): Uncertain significance (1 of 4 stars; one submission).

Conditions:
Inborn genetic diseases. Identifiers: MedGen C0950123, MeSH D030342.

Allele frequency attached by ClinVar (database versions not stated): ExAC 0.00001; gnomAD 0.00001; TOPMed 0.00001; gnomAD exomes 0.00003.
gnomAD v4.1: 47 of 1,613,932 alleles (0.0029%); highest among the groups gnomAD compares: Non-Finnish European, 0.0039%; no homozygotes.

Submission:

Ambry Genetics
Classification: Uncertain significance for Inborn genetic diseases. Last evaluated: 2025-01-06. Review status: criteria provided, single submitter. Criteria: Ambry Variant Classification Scheme 2023. Collection method: clinical testing. Allele origin: germline.
Comment: The p.L501F variant (also known as c.1501C>T), located in coding exon 7 of the SH2B3 gene, results from a C to T substitution at nucleotide position 1501. The leucine at codon 501 is replaced by phenylalanine, an amino acid with highly similar properties. This amino acid position is conserved. In addition, this alteration is predicted to be tolerated by in silico analysis. Based on the available evidence, the clinical significance of this variant remains unclear.

NM_005475.3(SH2B3):c.1501C>T (p.Leu501Phe)

Gene: SH2B3 (SH2B adaptor protein 3; plus strand). Cytogenetic location: 12q24.12.
Variant type: single nucleotide variant.
Coding change: c.1501C>T on transcript NM_005475.3 (MANE Select); coding-DNA position 1501, C replaced by T.
Protein change: p.Leu501Phe; replaces leucine 501 with phenylalanine.
Molecular consequence: missense variant.
Genome position (GRCh38, 1-based): chr12:111,448,075, C>T. VCF-style: chr12-111448075-C-T. GRCh37 (hg19) VCF-style: chr12-111885879-C-T.
Other names: c.895C>T, p.Leu299Phe (NM_001291424.1); short protein forms L299F, L501F.
Identifiers: ClinVar variation 2235327 (VCV002235327.3), dbSNP rs529644866, ClinGen allele CA6790009.